The following is an entry in ClinVar:

ClinVar aggregate classification (germline): Uncertain significance (1 of 4 stars; one submission).

Allele frequency attached by ClinVar (database versions not stated): gnomAD exomes below 0.00001.
gnomAD v4.1: 1 of 1,614,088 alleles (0.000062%); highest among the groups gnomAD compares: Non-Finnish European, 0.000085%; no homozygotes.

Submission:

Labcorp Genetics (formerly Invitae), Labcorp
Classification: Uncertain significance. Last evaluated: 2022-06-08. Review status: criteria provided, single submitter. Criteria: Invitae Variant Classification Sherloc (09022015). Collection method: clinical testing. Allele origin: germline.
Comment: This sequence change replaces glycine, which is neutral and non-polar, with valine, which is neutral and non-polar, at codon 521 of the ATP6V0A4 protein (p.Gly521Val). In summary, the available evidence is currently insufficient to determine the role of this variant in disease. Therefore, it has been classified as a Variant of Uncertain Significance. Algorithms developed to predict the effect of missense changes on protein structure and function are either unavailable or do not agree on the potential impact of this missense change (SIFT: "Deleterious"; PolyPhen-2: "Probably Damaging"; Align-GVGD: "Class C0"). This variant has not been reported in the literature in individuals affected with ATP6V0A4-related conditions. This variant is not present in population databases (gnomAD no frequency).

NM_020632.3(ATP6V0A4):c.1562G>T (p.Gly521Val)

Gene: ATP6V0A4 (ATPase H+ transporting V0 subunit a4; minus strand). Cytogenetic location: 7q34.
Variant type: single nucleotide variant.
Coding change: c.1562G>T on transcript NM_020632.3 (MANE Select); coding-DNA position 1562, G replaced by T.
Protein change: p.Gly521Val; replaces glycine 521 with valine.
Molecular consequence: missense variant.
Genome position (GRCh38, 1-based): chr7:138,739,550, C>A on the plus strand (G>T on the coding strand, the complement: ATP6V0A4 is on the minus strand). VCF-style: chr7-138739550-C-A. GRCh37 (hg19) VCF-style: chr7-138424295-C-A.
Other names: c.1562G>T, p.Gly521Val (NM_130840.3, NM_130841.3); short protein forms G521V.
Identifiers: ClinVar variation 2003573 (VCV002003573.4), dbSNP rs868841522, ClinGen allele CA369370197.